The following is an entry in ClinVar:

ClinVar aggregate classification (germline): Pathogenic/Likely pathogenic. Review status: criteria provided, multiple submitters, no conflicts (2 of 4 stars). 4 submissions from 4 submitters: Pathogenic (1); Likely pathogenic (1). 2 of the submissions do not count toward it. Last evaluated 2025-01-16.

Conditions:
KRT17-related disorders.
Pachyonychia congenita 2 (PC2). Also called: KRT17-Related Pachyonychia Congenita; Jackson-Lawler syndrome; PC-K17; PACHYONYCHIA CONGENITA, JACKSON-LAWLER TYPE. Identifiers: Orphanet 2309, MedGen C1721007, MONDO:0008174, OMIM 167210.

Submissions (4):

GeneDx
Classification: Pathogenic. Last evaluated: 2025-01-16. Review status: criteria provided, single submitter. Criteria: GeneDx Variant Classification Process June 2021. Collection method: clinical testing. Allele origin: germline. Affected: yes.
Comment: Located in the highly conserved helix initiation motif of the alpha-helical rod domain, which is intolerant to change; variants in this motif interfere with proper keratin intermediate filament assembly and function, resulting in skin fragility and/or hyperkeratosis (PMID: 21176769); Not observed at significant frequency in large population cohorts (gnomAD); In silico analysis supports that this missense variant has a deleterious effect on protein structure/function; This variant is associated with the following publications: (PMID: 29784039, 21287500, 33486795, 11886499, 31823354, 28794556, 34116063, 24611874, 19120334, 21176769)

Blueprint Genetics
Classification: Likely pathogenic for KRT17-related disorders. Last evaluated: 2020-02-10. Review status: criteria provided, single submitter. Criteria: ACMG Guidelines, 2015. Collection method: clinical testing. Allele origin: germline. Affected: yes. Observed: 1 variant allele.

OMIM
Classification: Pathogenic for PACHYONYCHIA CONGENITA 2. Last evaluated: 2001-12-01. Review status: no assertion criteria provided. Collection method: literature only. Allele origin: germline. Not counted in ClinVar's aggregate classification.

Epithelial Biology;  Institute of Medical Biology, Singapore
No classification provided. Review status: no classification provided. Collection method: not provided. Allele origin: not provided. Not counted in ClinVar's aggregate classification.

Literature cited by the submitters: PubMed 11886499 (cited by OMIM); PubMed 19120334 (cited by OMIM).

NM_000422.3(KRT17):c.296T>C (p.Leu99Pro)

Gene: KRT17 (keratin 17; minus strand). Cytogenetic location: 17q21.2.
Variant type: single nucleotide variant.
Coding change: c.296T>C on transcript NM_000422.3 (MANE Select); coding-DNA position 296, T replaced by C.
Protein change: p.Leu99Pro; replaces leucine 99 with proline.
Molecular consequence: missense variant.
Genome position (GRCh38, 1-based): chr17:41,624,214, A>G on the plus strand (T>C on the coding strand, the complement: KRT17 is on the minus strand). VCF-style: chr17-41624214-A-G. GRCh37 (hg19) VCF-style: chr17-39780466-A-G.
Other names: short protein forms L99P.
Identifiers: ClinVar variation 14598 (VCV000014598.5), dbSNP rs28933089, ClinGen allele CA216623.